The following is an entry in ClinVar:

ClinVar aggregate classification (germline): Conflicting classifications of pathogenicity. Review status: criteria provided, conflicting classifications (1 of 4 stars). 2 submissions from 2 submitters: Uncertain significance (1); Likely benign (1). Last evaluated 2026-03-05.

Conditions:
Inborn genetic diseases. Identifiers: MedGen C0950123, MeSH D030342.

Allele frequency attached by ClinVar (database versions not stated): TOPMed 0.00001.

Submissions (2):

Ambry Genetics
Classification: Likely benign for Inborn genetic diseases. Last evaluated: 2026-03-05. Review status: criteria provided, single submitter. Criteria: Ambry Variant Classification Scheme 2023. Collection method: clinical testing. Allele origin: germline.

Labcorp Genetics (formerly Invitae), Labcorp
Classification: Uncertain significance. Last evaluated: 2023-03-29. Review status: criteria provided, single submitter. Criteria: Invitae Variant Classification Sherloc (09022015). Collection method: clinical testing. Allele origin: germline.
Comment: In summary, the available evidence is currently insufficient to determine the role of this variant in disease. Therefore, it has been classified as a Variant of Uncertain Significance. An algorithm developed to predict the effect of missense changes on protein structure and function (PolyPhen-2) suggests that this variant is likely to be tolerated. This variant is not present in population databases (gnomAD no frequency). This variant has not been reported in the literature in individuals affected with ADNP-related conditions. This sequence change replaces serine, which is neutral and polar, with asparagine, which is neutral and polar, at codon 134 of the ADNP protein (p.Ser134Asn).

NM_001282531.3(ADNP):c.401G>A (p.Ser134Asn)

Gene: ADNP (activity dependent neuroprotector homeobox; minus strand). Cytogenetic location: 20q13.13.
Variant type: single nucleotide variant.
Coding change: c.401G>A on transcript NM_001282531.3 (MANE Select); coding-DNA position 401, G replaced by A.
Protein change: p.Ser134Asn; replaces serine 134 with asparagine.
Molecular consequence: missense variant.
Genome position (GRCh38, 1-based): chr20:50,894,313, C>T on the plus strand (G>A on the coding strand, the complement: ADNP is on the minus strand). VCF-style: chr20-50894313-C-T. GRCh37 (hg19) VCF-style: chr20-49510850-C-T.
Other names: c.401G>A, p.Ser134Asn (NM_001282532.2, NM_001347511.2, NM_015339.5 and 1 more transcripts); c.401G>A (NM_015339.2); short protein forms S134N.
Identifiers: ClinVar variation 2874988 (VCV002874988.4), dbSNP rs1981160015, ClinGen allele CA408978110.